The following is an entry in ClinVar:

NM_001386298.1(CIC):c.5680A>T (p.Thr1894Ser)

Gene: CIC (capicua transcriptional repressor; plus strand). Cytogenetic location: 19q13.2.
Variant type: single nucleotide variant.
Coding change: c.5680A>T on transcript NM_001386298.1 (MANE Select); coding-DNA position 5680, A replaced by T.
Protein change: p.Thr1894Ser; replaces threonine 1894 with serine.
Molecular consequence: missense variant.
Genome position (GRCh38, 1-based): chr19:42,292,152, A>T. VCF-style: chr19-42292152-A-T. GRCh37 (hg19) VCF-style: chr19-42796304-A-T.
Other names: c.5680A>T, p.Thr1894Ser (NM_001439185.1, NM_001439186.1, NM_001439187.1 and 6 more transcripts); c.2953A>T, p.Thr985Ser (NM_001439189.1, NM_001439190.1, NM_001439191.1 and 3 more transcripts); short protein forms T1894S, T985S.
Identifiers: ClinVar variation 4848124 (VCV004848124.1).

ClinVar aggregate classification (germline): Uncertain significance (1 of 4 stars; one submission).

gnomAD v4.1: 54 of 1,613,472 alleles (0.0033%); highest among the groups gnomAD compares: Non-Finnish European, 0.0044%; no homozygotes.

Submission:

Women's Health and Genetics/Laboratory Corporation of America, LabCorp
Classification: Uncertain significance. Last evaluated: 2026-02-24. Review status: criteria provided, single submitter. Criteria: LabCorp Variant Classification Summary - May 2015. Collection method: clinical testing. Allele origin: germline.
Comment: Variant summary: CIC c.2953A>T (p.Thr985Ser) results in a conservative amino acid change in the encoded protein sequence. Algorithms developed to predict the effect of missense changes on protein structure and function all suggest that this variant is likely to be tolerated. The variant allele was found at a frequency of 1.6e-05 in 251070 control chromosomes. The available data on variant occurrences in the general population are insufficient to allow any conclusion about variant significance. To our knowledge, no occurrence of c.2953A>T in individuals affected with CIC-related conditions and no experimental evidence demonstrating its impact on protein function have been reported. No submitters have cited clinical-significance assessments for this variant to ClinVar. Based on the evidence outlined above, the variant was classified as uncertain significance.